The following is an entry in ClinVar:

ClinVar aggregate classification (germline): Uncertain significance (1 of 4 stars; one submission).

Conditions:
Leigh syndrome (NULS). Also called: Leigh Disease; Leigh's necrotizing encephalopathy; Leigh's disease; Leigh Syndrome (mtDNA deletion); Leigh's syndrome; Subacute necrotizing encephalopathy. Identifiers: Orphanet 506, MedGen C2931891, MONDO:0009723, OMIM 256000.

Allele frequency attached by ClinVar (database versions not stated): TOPMed below 0.00001; gnomAD 0.00001.
gnomAD v4.1: 7 of 1,528,274 alleles (0.00046%); highest among the groups gnomAD compares: Non-Finnish European, 0.00052%; no homozygotes.

Submission:

Labcorp Genetics (formerly Invitae), Labcorp
Classification: Uncertain significance for Leigh syndrome. Last evaluated: 2022-10-17. Review status: criteria provided, single submitter. Criteria: Invitae Variant Classification Sherloc (09022015). Collection method: clinical testing. Allele origin: germline.
Comment: This sequence change replaces serine, which is neutral and polar, with arginine, which is basic and polar, at codon 27 of the SURF1 protein (p.Ser27Arg). This variant is not present in population databases (gnomAD no frequency). This variant has not been reported in the literature in individuals affected with SURF1-related conditions. ClinVar contains an entry for this variant (Variation ID: 1398896). Algorithms developed to predict the effect of missense changes on protein structure and function output the following: SIFT: "Deleterious"; PolyPhen-2: "Benign"; Align-GVGD: "Class C0". The arginine amino acid residue is found in multiple mammalian species, which suggests that this missense change does not adversely affect protein function. In summary, the available evidence is currently insufficient to determine the role of this variant in disease. Therefore, it has been classified as a Variant of Uncertain Significance.

NM_003172.4(SURF1):c.81C>A (p.Ser27Arg)

Genes: SURF1 (SURF1 cytochrome c oxidase assembly factor; minus strand), LOC130002899 (ATAC-STARR-seq lymphoblastoid silent region 20452; plus strand). Cytogenetic location: 9q34.2.
Variant type: single nucleotide variant.
Coding change: c.81C>A on transcript NM_003172.4 (MANE Select); coding-DNA position 81, C replaced by A.
Protein change: p.Ser27Arg; replaces serine 27 with arginine.
Molecular consequence: missense variant. On other transcripts: intron variant (1).
Genome position (GRCh38, 1-based): chr9:133,356,294, G>T on the plus strand (C>A on the coding strand, the complement: SURF1 is on the minus strand). VCF-style: chr9-133356294-G-T. GRCh37 (hg19) VCF-style: chr9-136223149-G-T.
Other names: c.-222+106C>A (NM_001280787.1); short protein forms S27R.
Identifiers: ClinVar variation 1398896 (VCV001398896.3), dbSNP rs1416119624, ClinGen allele CA375695056.